The following is an entry in ClinVar:

NM_001012338.3(NTRK3):c.101C>A (p.Ala34Glu)

Genes: NTRK3 (neurotrophic receptor tyrosine kinase 3; minus strand), NTRK3-AS1 (NTRK3 antisense RNA 1; plus strand). Cytogenetic location: 15q25.3.
Variant type: single nucleotide variant.
Coding change: c.101C>A on transcript NM_001012338.3 (MANE Select); coding-DNA position 101, C replaced by A.
Protein change: p.Ala34Glu; replaces alanine 34 with glutamic acid.
Molecular consequence: missense variant.
Genome position (GRCh38, 1-based): chr15:88,256,053, G>T on the plus strand (C>A on the coding strand, the complement: NTRK3 is on the minus strand). VCF-style: chr15-88256053-G-T. GRCh37 (hg19) VCF-style: chr15-88799284-G-T.
Other names: c.101C>A, p.Ala34Glu (NM_001007156.3, NM_001243101.2, NM_001320134.1 and 6 more transcripts); short protein forms A34E.
Identifiers: ClinVar variation 4981211 (VCV004981211.1).

ClinVar aggregate classification (germline): Likely benign (1 of 4 stars; one submission).

Conditions:
NTRK3-related disorder. Also called: NTRK3-related condition.

gnomAD v4.1: 172 of 1,613,588 alleles (0.011%); highest among the groups gnomAD compares: Admixed American, 0.28%; no homozygotes.

Submission:

PreventionGenetics, part of Exact Sciences
Classification: Likely benign for NTRK3-related condition. Last evaluated: 2026-01-18. Review status: criteria provided, single submitter. Criteria: ACMG Guidelines, 2015. Collection method: clinical testing. Allele origin: germline.
Comment: This variant is classified as likely benign based on ACMG/AMP sequence variant interpretation guidelines (Richards et al. 2015 PMID: 25741868, with internal and published modifications).